The following is an entry in ClinVar:

NM_020549.5(CHAT):c.996G>T (p.Gln332His)

Gene: CHAT (choline O-acetyltransferase; plus strand). Cytogenetic location: 10q11.23.
Variant type: single nucleotide variant.
Coding change: c.996G>T on transcript NM_020549.5 (MANE Select); coding-DNA position 996, G replaced by T.
Protein change: p.Gln332His; replaces glutamine 332 with histidine.
Molecular consequence: missense variant.
Genome position (GRCh38, 1-based): chr10:49,627,670, G>T. VCF-style: chr10-49627670-G-T. GRCh37 (hg19) VCF-style: chr10-50835716-G-T.
Other names: c.642G>T, p.Gln214His (NM_020984.4, NM_020985.4, NM_020986.4 and 2 more transcripts); c.750G>T, p.Gln250His (NM_001142933.2); c.996G>T (NM_020549.4); short protein forms Q214H, Q250H, Q332H.
Identifiers: ClinVar variation 3717066 (VCV003717066.3).

ClinVar aggregate classification (germline): Uncertain significance. Review status: criteria provided, multiple submitters, no conflicts (2 of 4 stars). 2 submissions from 2 submitters: Uncertain significance (2). Last evaluated 2026-02-19.

Conditions:
Familial infantile myasthenia (CMS6). Also called: Congenital myasthenic syndrome type 6; MYASTHENIC SYNDROME, PRESYNAPTIC, CONGENITAL, ASSOCIATED WITH EPISODIC APNEA; MYASTHENIC SYNDROME, CONGENITAL, 6, PRESYNAPTIC. Identifiers: Orphanet 590, MedGen C0393929, MONDO:0009689, OMIM 254210.

gnomAD v4.1: 3 of 1,614,060 alleles (0.00019%); highest among the groups gnomAD compares: Non-Finnish European, 0.00025%; no homozygotes.

Submissions (2):

GeneDx
Classification: Uncertain significance. Last evaluated: 2026-02-19. Review status: criteria provided, single submitter. Criteria: GeneDx Variant Classification Process June 2021. Collection method: clinical testing. Allele origin: germline.
Comment: Not observed at significant frequency in large population cohorts (gnomAD); In silico analysis supports that this missense variant has a deleterious effect on protein structure/function; Has not been previously published as pathogenic or benign to our knowledge

Labcorp Genetics (formerly Invitae), Labcorp
Classification: Uncertain significance for Familial infantile myasthenia. Last evaluated: 2024-09-17. Review status: criteria provided, single submitter. Criteria: Invitae Variant Classification Sherloc (09022015). Collection method: clinical testing. Allele origin: germline.
Comment: This sequence change replaces glutamine, which is neutral and polar, with histidine, which is basic and polar, at codon 332 of the CHAT protein (p.Gln332His). This variant is present in population databases (no rsID available, gnomAD 0.0009%). This variant has not been reported in the literature in individuals affected with CHAT-related conditions. Invitae Evidence Modeling of protein sequence and biophysical properties (such as structural, functional, and spatial information, amino acid conservation, physicochemical variation, residue mobility, and thermodynamic stability) has been performed for this missense variant. However, the output from this modeling did not meet the statistical confidence thresholds required to predict the impact of this variant on CHAT protein function. In summary, the available evidence is currently insufficient to determine the role of this variant in disease. Therefore, it has been classified as a Variant of Uncertain Significance.